The following is an entry in ClinVar:

NM_006231.4(POLE):c.2845G>A (p.Gly949Ser)

Gene: POLE (DNA polymerase epsilon, catalytic subunit; minus strand). Cytogenetic location: 12q24.33.
Variant type: single nucleotide variant.
Coding change: c.2845G>A on transcript NM_006231.4 (MANE Select); coding-DNA position 2845, G replaced by A.
Protein change: p.Gly949Ser; replaces glycine 949 with serine.
Molecular consequence: missense variant.
Genome position (GRCh38, 1-based): chr12:132,661,546, C>T on the plus strand (G>A on the coding strand, the complement: POLE is on the minus strand). VCF-style: chr12-132661546-C-T. GRCh37 (hg19) VCF-style: chr12-133238132-C-T.
Other names: short protein forms G949S.
Identifiers: ClinVar variation 1021718 (VCV001021718.8), dbSNP rs2042681932, ClinGen allele CA387393592.

ClinVar aggregate classification (germline): Uncertain significance (1 of 4 stars; one submission).

Submission:

Labcorp Genetics (formerly Invitae), Labcorp
Classification: Uncertain significance. Last evaluated: 2022-02-19. Review status: criteria provided, single submitter. Criteria: Invitae Variant Classification Sherloc (09022015). Collection method: clinical testing. Allele origin: germline.
Comment: This variant has not been reported in the literature in individuals affected with POLE-related conditions. This variant is not present in population databases (gnomAD no frequency). This sequence change replaces glycine, which is neutral and non-polar, with serine, which is neutral and polar, at codon 949 of the POLE protein (p.Gly949Ser). ClinVar contains an entry for this variant (Variation ID: 1021718). Algorithms developed to predict the effect of missense changes on protein structure and function (SIFT, PolyPhen-2, Align-GVGD) all suggest that this variant is likely to be disruptive. Algorithms developed to predict the effect of sequence changes on RNA splicing suggest that this variant may disrupt the consensus splice site. In summary, the available evidence is currently insufficient to determine the role of this variant in disease. Therefore, it has been classified as a Variant of Uncertain Significance.